The following is an entry in ClinVar:

ClinVar aggregate classification (germline): Uncertain significance. Review status: criteria provided, multiple submitters, no conflicts (2 of 4 stars). 2 submissions from 2 submitters: Uncertain significance (2). Last evaluated 2025-10-02.

Conditions:
Inborn genetic diseases. Identifiers: MedGen C0950123, MeSH D030342.

Allele frequency attached by ClinVar (database versions not stated): ExAC 0.00001.

Submissions (2):

Ambry Genetics
Classification: Uncertain significance for Inborn genetic diseases. Last evaluated: 2025-10-02. Review status: criteria provided, single submitter. Criteria: Ambry Variant Classification Scheme 2023. Collection method: clinical testing. Allele origin: germline.

Women's Health and Genetics/Laboratory Corporation of America, LabCorp
Classification: Uncertain significance. Last evaluated: 2024-04-16. Review status: criteria provided, single submitter. Criteria: LabCorp Variant Classification Summary - May 2015. Collection method: clinical testing. Allele origin: germline.
Comment: Variant summary: ASH1L c.2374C>G (p.Leu792Val) results in a conservative amino acid change in the encoded protein sequence. Three of five in-silico tools predict a benign effect of the variant on protein function. The variant allele was found at a frequency of 4e-06 in 250856 control chromosomes. The available data on variant occurrences in the general population are insufficient to allow any conclusion about variant significance. To our knowledge, no occurrence of c.2374C>G in individuals affected with Intellectual Disability, Autosomal Dominant 52 and no experimental evidence demonstrating its impact on protein function have been reported. No submitters have cited clinical-significance assessments for this variant to ClinVar. Based on the evidence outlined above, the variant was classified as uncertain significance.

NM_018489.3(ASH1L):c.2374C>G (p.Leu792Val)

Gene: ASH1L (ASH1 like histone lysine methyltransferase; minus strand). Cytogenetic location: 1q22.
Variant type: single nucleotide variant.
Coding change: c.2374C>G on transcript NM_018489.3 (MANE Select); coding-DNA position 2374, C replaced by G.
Protein change: p.Leu792Val; replaces leucine 792 with valine.
Molecular consequence: missense variant.
Genome position (GRCh38, 1-based): chr1:155,480,496, G>C on the plus strand (C>G on the coding strand, the complement: ASH1L is on the minus strand). VCF-style: chr1-155480496-G-C. GRCh37 (hg19) VCF-style: chr1-155450287-G-C.
Other names: c.2374C>G (NM_018489.2); c.2374C>G, p.Leu792Val (NM_001366177.2); short protein forms L792V.
Identifiers: ClinVar variation 3251249 (VCV003251249.2), dbSNP rs780899491.